The following is an entry in ClinVar:

ClinVar aggregate classification (germline): Conflicting classifications of pathogenicity. Review status: criteria provided, conflicting classifications (1 of 4 stars). 19 submissions from 19 submitters: Uncertain significance (1); Benign (6); Likely benign (8). 4 of the submissions do not count toward it. Last evaluated 2026-09-01.

Conditions:
TSC2-related disorder. Also called: TSC2-related condition; TSC2-Related Disorders.
Hereditary cancer-predisposing syndrome. Also called: Neoplastic Syndromes, Hereditary; Tumor predisposition; Hereditary Cancer Syndrome; Hereditary neoplastic syndrome. Identifiers: Orphanet 140162, MedGen C0027672, MeSH D009386, MONDO:0015356.
Tuberous sclerosis syndrome (TSC). Also called: Tuberous Sclerosis Complex; Tuberous sclerosis. Identifiers: Orphanet 805, MedGen C0041341, MONDO:0001734.
Tuberous sclerosis 2 (TSC2). Identifiers: Orphanet 805, MedGen C1860707, MONDO:0013199, OMIM 613254.

Allele frequency attached by ClinVar (database versions not stated): ExAC 0.00019; TOPMed 0.00019; ESP Exome Variant Server 0.00023; gnomAD exomes 0.00024; gnomAD 0.00025 and 0.00026.
gnomAD v4.1: 648 of 1,612,600 alleles (0.04%); highest among the groups gnomAD compares: Non-Finnish European, 0.051%; no homozygotes.

Submissions (19):

CeGaT Center for Human Genetics Tuebingen
Classification: Likely benign. Last evaluated: 2026-09-01. Review status: criteria provided, single submitter. Criteria: CeGaT Center For Human Genetics Tuebingen Variant Classification Criteria Version 2. Collection method: clinical testing. Allele origin: germline. Affected: yes. Observed: 7 variant alleles.
Comment: TSC2: BS2

Labcorp Genetics (formerly Invitae), Labcorp
Classification: Benign for Tuberous sclerosis 2. Last evaluated: 2026-02-02. Review status: criteria provided, single submitter. Criteria: Invitae Variant Classification Sherloc (09022015). Collection method: clinical testing. Allele origin: germline.

Myriad Genetics, Inc.
Classification: Likely benign for Tuberous sclerosis 2. Last evaluated: 2025-06-02. Review status: criteria provided, single submitter. Criteria: Myriad Autosomal Dominant, Autosomal Recessive and X-Linked Classification Criteria (2023). Collection method: clinical testing. Allele origin: unknown.
Comment: This variant is considered likely benign. This variant has been observed at a population frequency that is significantly greater than expected given the associated disease prevalence and penetrance.

Laboratory of Genetics, Children's Clinical University Hospital Latvia
Classification: Likely benign. Last evaluated: 2025-02-16. Review status: criteria provided, single submitter. Criteria: ACMG Guidelines, 2015. Collection method: clinical testing. Allele origin: germline. Affected: yes.

Blueprint Genetics
Classification: Likely benign. Last evaluated: 2024-09-06. Review status: criteria provided, single submitter. Criteria: ACMG Guidelines, 2015. Collection method: clinical testing. Allele origin: germline.

ARUP Laboratories, Molecular Genetics and Genomics, ARUP Laboratories
Classification: Likely benign. Last evaluated: 2024-08-26. Review status: criteria provided, single submitter. Criteria: ARUP Molecular Germline Variant Investigation Process 2024. Collection method: clinical testing. Allele origin: germline.

Women's Health and Genetics/Laboratory Corporation of America, LabCorp
Classification: Likely benign. Last evaluated: 2023-12-18. Review status: criteria provided, single submitter. Criteria: LabCorp Variant Classification Summary - May 2015. Collection method: clinical testing. Allele origin: germline.
Comment: Variant summary: TSC2 c.4105C>T (p.Arg1369Trp) results in a non-conservative amino acid change in the encoded protein sequence. Three of five in-silico tools predict a benign effect of the variant on protein function. The variant allele was found at a frequency of 0.00024 in 248644 control chromosomes (gnomAD). The observed variant frequency is approximately 3.45 fold of the estimated maximal expected allele frequency for a pathogenic variant in TSC2 causing Tuberous Sclerosis Complex phenotype (6.9e-05), strongly suggesting that the variant is benign. To our knowledge, no occurrence of c.4105C>T in individuals affected with Tuberous Sclerosis Complex has been reported. At least one publication reports experimental evidence evaluating an impact on protein function (Hoogeveen-Westerveld_2011). These results showed no damaging effect of this variant. The following publication has been ascertained in the context of this evaluation (PMID: 21309039). Ten submitters have cited clinical-significance assessments for this variant to ClinVar after 2014, and classified it as benign (n=4), likely benign (n=5), or uncertain significance (n=1). Based on the evidence outlined above, the variant was classified as likely benign.

Ambry Genetics
Classification: Likely benign for Hereditary cancer-predisposing syndrome. Last evaluated: 2023-07-20. Review status: criteria provided, single submitter. Criteria: Ambry Variant Classification Scheme 2023. Collection method: clinical testing. Allele origin: germline.

Color Diagnostics, LLC DBA Color Health
Classification: Benign for Tuberous sclerosis syndrome. Last evaluated: 2022-08-31. Review status: criteria provided, single submitter. Criteria: ACMG Guidelines, 2015. Collection method: clinical testing. Allele origin: germline.

Genome-Nilou Lab
Classification: Benign for Tuberous sclerosis 2. Last evaluated: 2021-11-07. Review status: criteria provided, single submitter. Criteria: ACMG Guidelines, 2015. Collection method: clinical testing. Allele origin: germline. Affected: no.

Sema4
Classification: Benign for Hereditary cancer-predisposing syndrome. Last evaluated: 2021-05-03. Review status: criteria provided, single submitter. Criteria: Sema4 Curation Guidelines. Collection method: curation. Allele origin: germline.

Quest Diagnostics Nichols Institute San Juan Capistrano
Classification: Benign. Last evaluated: 2018-12-17. Review status: criteria provided, single submitter. Criteria: Quest Diagnostics criteria. Collection method: clinical testing. Allele origin: unknown.

Eurofins Ntd Llc (ga)
Classification: Uncertain significance. Last evaluated: 2018-06-01. Review status: criteria provided, single submitter. Criteria: EGL ClinVar v180209 classification definitions. Collection method: clinical testing. Allele origin: germline. Observed: 3 variant alleles, 3 heterozygotes.

GeneDx
Classification: Benign. Last evaluated: 2018-04-02. Review status: criteria provided, single submitter. Criteria: GeneDx Variant Classification Process June 2021. Collection method: clinical testing. Allele origin: germline. Affected: yes.
Comment: This variant is associated with the following publications: (PMID: 27601542, 26703369, 23514105, 25925381, 21309039)

Illumina Laboratory Services, Illumina
Classification: Likely benign for Tuberous sclerosis syndrome. Last evaluated: 2018-01-13. Review status: criteria provided, single submitter. Criteria: ICSL Variant Classification Criteria 13 December 2019. Collection method: clinical testing. Allele origin: germline.
Comment: This variant was observed in the ICSL laboratory as part of a predisposition screen in an ostensibly healthy population. It had not been previously curated by ICSL or reported in the Human Gene Mutation Database (HGMD: prior to June 1st, 2018), and was therefore a candidate for classification through an automated scoring system. Utilizing variant allele frequency, disease prevalence and penetrance estimates, and inheritance mode, an automated score was calculated to assess if this variant is too frequent to cause the disease. Based on the score and internal cut-off values, a variant classified as likely benign is not then subjected to further curation. The score for this variant resulted in a classification of likely benign for this disease.

PreventionGenetics, part of Exact Sciences
Classification: Likely benign for TSC2-related condition. Last evaluated: 2022-02-17. Review status: no assertion criteria provided. Collection method: clinical testing. Allele origin: germline. Not counted in ClinVar's aggregate classification.
Comment: This variant is classified as likely benign based on ACMG/AMP sequence variant interpretation guidelines (Richards et al. 2015 PMID: 25741868, with internal and published modifications).

Clinical Genetics, Academic Medical Center
Classification: Likely benign. Review status: no assertion criteria provided. Collection method: clinical testing. Allele origin: germline. Affected: yes. Study: VKGL Data-share Consensus. Not counted in ClinVar's aggregate classification.

Genome Diagnostics Laboratory, Amsterdam University Medical Center
Classification: Likely benign. Review status: no assertion criteria provided. Collection method: clinical testing. Allele origin: germline. Affected: yes. Study: VKGL Data-share Consensus. Not counted in ClinVar's aggregate classification.

Tuberous sclerosis database (TSC2)
No classification provided. Condition: TSC. Review status: no classification provided. Criteria: Tuberous Sclerosis Database Assertion Criteria 2015. Collection method: curation. Allele origin: germline. Affected: yes. Not counted in ClinVar's aggregate classification.

Literature cited by the submitters: PubMed 21309039 (cited by 3 submitters); PubMed 18302728 (cited by Quest Diagnostics Nichols Institute San Juan Capistrano); PubMed 27601542 (cited by Quest Diagnostics Nichols Institute San Juan Capistrano).

NM_000548.5(TSC2):c.4105C>T (p.Arg1369Trp)

Gene: TSC2 (TSC complex subunit 2; plus strand). Cytogenetic location: 16p13.3.
Variant type: single nucleotide variant.
Coding change: c.4105C>T on transcript NM_000548.5 (MANE Select); coding-DNA position 4105, C replaced by T.
Protein change: p.Arg1369Trp; replaces arginine 1369 with tryptophan.
Molecular consequence: missense variant.
Genome position (GRCh38, 1-based): chr16:2,084,327, C>T. VCF-style: chr16-2084327-C-T. GRCh37 (hg19) VCF-style: chr16-2134328-C-T.
Other names: p.R1369W:CGG>TGG; c.3904C>T, p.Arg1302Trp (NM_001077183.3); c.4036C>T, p.Arg1346Trp (NM_001114382.3); c.3796C>T, p.Arg1266Trp (NM_001318827.2); c.3760C>T, p.Arg1254Trp (NM_001318829.2); c.3373C>T, p.Arg1125Trp (NM_001318831.2); c.3937C>T, p.Arg1313Trp (NM_001318832.2); c.3907C>T, p.Arg1303Trp (NM_001363528.2); and 3 more; short protein forms R1369W, R1125W, R1326W, R1325W, R1254W, R1266W, R1302W, R1346W.
Identifiers: ClinVar variation 49556 (VCV000049556.77), dbSNP rs45517328, ClinGen allele CA019949.